The following is an entry in ClinVar:

NM_001330588.2(TPP2):c.3032C>T (p.Thr1011Ile)

Gene: TPP2 (tripeptidyl peptidase 2; plus strand). Cytogenetic location: 13q33.1.
Variant type: single nucleotide variant.
Coding change: c.3032C>T on transcript NM_001330588.2 (MANE Select); coding-DNA position 3032, C replaced by T.
Protein change: p.Thr1011Ile; replaces threonine 1011 with isoleucine.
Molecular consequence: missense variant. On other transcripts: non-coding transcript variant (1).
Genome position (GRCh38, 1-based): chr13:102,657,096, C>T. VCF-style: chr13-102657096-C-T. GRCh37 (hg19) VCF-style: chr13-103309446-C-T.
Other names: c.2993C>T, p.Thr998Ile (NM_001367947.1, NM_003291.4); short protein forms T1011I, T998I.
Identifiers: ClinVar variation 2132747 (VCV002132747.4), dbSNP rs140116320, ClinGen allele CA388503830.
Genomic context (GRCh38, chr13:102,657,096, plus strand): 5'-ATCTCTCTCCACATTCGTAGGATGTAATCCCTGTTCATTACTACTTAATACCTCCACCAA[C>T]AAAGACTAAGAATGGCAGCAAAGATAAGGAAAAAGATTCAGAAAAAGAGAAAGATTTAAA-3'
Protein context (NP_001317517.1, residues 1001-1021): PVHYYLIPPP[Thr1011Ile]KTKNGSKDKE

ClinVar aggregate classification (germline): Uncertain significance (1 of 4 stars; one submission).

Conditions:
Evans syndrome, immunodeficiency, and premature immunosenescence associated with tripeptidyl-peptidase II deficiency. Identifiers: MedGen CN231723. Disease mechanism: loss of function.

Allele frequency attached by ClinVar (database versions not stated): gnomAD exomes below 0.00001.
gnomAD v4.1: 2 of 1,588,282 alleles (0.00013%); highest among the groups gnomAD compares: African/African-American, 0.0014%; no homozygotes.

Submission:

Labcorp Genetics (formerly Invitae), Labcorp
Classification: Uncertain significance for Evans syndrome, immunodeficiency, and premature immunosenescence associated with tripeptidyl-peptidase II deficiency. Last evaluated: 2022-05-03. Review status: criteria provided, single submitter. Criteria: Invitae Variant Classification Sherloc (09022015). Collection method: clinical testing. Allele origin: germline.
Comment: In summary, the available evidence is currently insufficient to determine the role of this variant in disease. Therefore, it has been classified as a Variant of Uncertain Significance. Algorithms developed to predict the effect of missense changes on protein structure and function are either unavailable or do not agree on the potential impact of this missense change (SIFT: "Deleterious"; PolyPhen-2: "Benign"; Align-GVGD: "Class C0"). This variant has not been reported in the literature in individuals affected with TPP2-related conditions. This variant is not present in population databases (gnomAD no frequency). This sequence change replaces threonine, which is neutral and polar, with isoleucine, which is neutral and non-polar, at codon 998 of the TPP2 protein (p.Thr998Ile).